The following is an entry in ClinVar:

ClinVar aggregate classification (germline): Uncertain significance. Review status: criteria provided, multiple submitters, no conflicts (2 of 4 stars). 2 submissions from 2 submitters: Uncertain significance (2). Last evaluated 2022-03-24.

Conditions:
Inborn genetic diseases. Identifiers: MedGen C0950123, MeSH D030342.
PGM1-congenital disorder of glycosylation. Also called: PHOSPHOGLUCOMUTASE 1 DEFICIENCY; PGM1 DEFICIENCY; GLYCOGEN STORAGE DISEASE XIV; GSD XIV; Congenital disorder of glycosylation type 1t; CDG It. Identifiers: Orphanet 319646, MedGen C2752015, MONDO:0013968, OMIM 614921.

Allele frequency attached by ClinVar (database versions not stated): gnomAD 0.00001; TOPMed 0.00002.
gnomAD v4.1: 24 of 1,613,870 alleles (0.0015%); highest among the groups gnomAD compares: Non-Finnish European, 0.002%; no homozygotes.

Submissions (2):

Labcorp Genetics (formerly Invitae), Labcorp
Classification: Uncertain significance for PGM1-congenital disorder of glycosylation. Last evaluated: 2022-03-24. Review status: criteria provided, single submitter. Criteria: Invitae Variant Classification Sherloc (09022015). Collection method: clinical testing. Allele origin: germline.
Comment: In summary, the available evidence is currently insufficient to determine the role of this variant in disease. Therefore, it has been classified as a Variant of Uncertain Significance. Algorithms developed to predict the effect of missense changes on protein structure and function are either unavailable or do not agree on the potential impact of this missense change (SIFT: "Deleterious"; PolyPhen-2: "Probably Damaging"; Align-GVGD: "Class C0"). This variant has not been reported in the literature in individuals affected with PGM1-related conditions. This variant is present in population databases (no rsID available, gnomAD 0.0009%). This sequence change replaces serine, which is neutral and polar, with phenylalanine, which is neutral and non-polar, at codon 372 of the PGM1 protein (p.Ser372Phe).

Ambry Genetics
Classification: Uncertain significance for Inborn genetic diseases. Last evaluated: 2021-07-14. Review status: criteria provided, single submitter. Criteria: Ambry Variant Classification Scheme 2023. Collection method: clinical testing. Allele origin: germline.

NM_002633.3(PGM1):c.1115C>T (p.Ser372Phe)

Gene: PGM1 (phosphoglucomutase 1; plus strand). Cytogenetic location: 1p31.3.
Variant type: single nucleotide variant.
Coding change: c.1115C>T on transcript NM_002633.3 (MANE Select); coding-DNA position 1115, C replaced by T.
Protein change: p.Ser372Phe; replaces serine 372 with phenylalanine.
Molecular consequence: missense variant.
Genome position (GRCh38, 1-based): chr1:63,638,771, C>T. VCF-style: chr1-63638771-C-T. GRCh37 (hg19) VCF-style: chr1-64104442-C-T.
Other names: c.1169C>T, p.Ser390Phe (NM_001172818.1); c.524C>T, p.Ser175Phe (NM_001172819.2); short protein forms S175F, S390F, S372F.
Identifiers: ClinVar variation 2085128 (VCV002085128.5), dbSNP rs1322334231, ClinGen allele CA340637245.